The following is an entry in ClinVar:

NM_001009944.3(PKD1):c.5910C>A (p.Ala1970=)

Gene: PKD1 (polycystin 1, transient receptor potential channel interacting; minus strand). Cytogenetic location: 16p13.3.
Variant type: single nucleotide variant.
Coding change: c.5910C>A on transcript NM_001009944.3 (MANE Select); coding-DNA position 5910, C replaced by A.
Protein change: p.Ala1970=; no amino-acid change (alanine 1970 retained).
Molecular consequence: synonymous variant.
Genome position (GRCh38, 1-based): chr16:2,109,257, G>T on the plus strand (C>A on the coding strand, the complement: PKD1 is on the minus strand). VCF-style: chr16-2109257-G-T. GRCh37 (hg19) VCF-style: chr16-2159258-G-T.
Other names: c.5910C>A, p.Ala1970= (NM_000296.4).
Identifiers: ClinVar variation 4980699 (VCV004980699.1).
Genomic context (GRCh38, chr16:2,109,257, plus strand): 5'-CCTCTCAGTGCCCGTGGCGATGCCAGGCTCGCAGCAGTTGGGCACCTGCAGCCCACTCAC[G>T]GCCTCCAGCACCACGATGCGCACCTGCGCCTGGGCCCAGCTCACGTGGTTTTTGCCCCGC-3'
Protein context (NP_001009944.3, residues 1960-1980): QAQVRIVVLE[Ala1970=]VSGLQVPNCC

ClinVar aggregate classification (germline): Likely benign (1 of 4 stars; one submission).

Conditions:
PKD1-related disorder. Also called: PKD1-related condition.

gnomAD v4.1: 17 of 1,585,266 alleles (0.0011%); highest among the groups gnomAD compares: Admixed American, 0.017%; no homozygotes.

Submission:

PreventionGenetics, part of Exact Sciences
Classification: Likely benign for PKD1-related condition. Last evaluated: 2025-12-30. Review status: criteria provided, single submitter. Criteria: ACMG Guidelines, 2015. Collection method: clinical testing. Allele origin: germline.
Comment: This variant is classified as likely benign based on ACMG/AMP sequence variant interpretation guidelines (Richards et al. 2015 PMID: 25741868, with internal and published modifications).